The following is an entry in ClinVar:

ClinVar aggregate classification (germline): Pathogenic/Likely pathogenic. Review status: criteria provided, multiple submitters, no conflicts (2 of 4 stars). 6 submissions from 6 submitters: Pathogenic (2); Likely pathogenic (2). 2 of the submissions do not count toward it. Last evaluated 2023-04-11.

Conditions:
Microcephaly 5, primary, autosomal recessive (MCPH5). Also called: ASPM Primary Microcephaly. Identifiers: Orphanet 2512, MedGen C1837501, MONDO:0012106, OMIM 608716.
Microcephaly. Also called: Microcephaly (disease). Identifiers: MedGen C4551563, MONDO:0001149, HP:0000252.

Submissions (6):

Genome-Nilou Lab
Classification: Likely pathogenic for Microcephaly 5, primary, autosomal recessive. Last evaluated: 2023-04-11. Review status: criteria provided, single submitter. Criteria: ACMG Guidelines, 2015. Collection method: clinical testing. Allele origin: germline. Affected: no.

Labcorp Genetics (formerly Invitae), Labcorp
Classification: Pathogenic. Last evaluated: 2022-11-24. Review status: criteria provided, single submitter. Criteria: Invitae Variant Classification Sherloc (09022015). Collection method: clinical testing. Allele origin: germline.
Comment: This premature translational stop signal has been observed in individual(s) with primary microcephaly (PMID: 14574646). This sequence change creates a premature translational stop signal (p.Ser577Argfs*33) in the ASPM gene. It is expected to result in an absent or disrupted protein product. Loss-of-function variants in ASPM are known to be pathogenic (PMID: 19028728, 23611254). This variant is present in population databases (rs747238090, gnomAD 0.003%). This variant is also known as c.1727delAG. ClinVar contains an entry for this variant (Variation ID: 402179). For these reasons, this variant has been classified as Pathogenic.

GeneDx
Classification: Pathogenic. Last evaluated: 2020-03-27. Review status: criteria provided, single submitter. Criteria: GeneDx Variant Classification Process June 2021. Collection method: clinical testing. Allele origin: germline. Affected: yes.
Comment: Frameshift variant predicted to result in protein truncation or nonsense mediated decay in a gene for which loss-of-function is a known mechanism of disease; Not observed at a significant frequency in large population cohorts (Lek et al., 2016); This variant is associated with the following publications: (PMID: 14574646, 31589614)

Lupski Lab, Baylor-Hopkins CMG, Baylor College of Medicine
Classification: Likely pathogenic for Microcephaly. Review status: criteria provided, single submitter. Criteria: Karaca et al. (Neuron 2015). Collection method: research. Allele origin: inherited. Inheritance: Autosomal recessive inheritance. Affected: yes.

GeneReviews
No classification provided. Condition: Microcephaly 5, primary, autosomal recessive. Review status: no classification provided. Collection method: literature only. Allele origin: unknown. Not counted in ClinVar's aggregate classification.

Service de Génétique Moléculaire, Hôpital Robert Debré
Classification: Pathogenic for Microcephaly 5, primary, autosomal recessive. Review status: no assertion criteria provided. Collection method: clinical testing. Allele origin: unknown. Affected: yes. Not counted in ClinVar's aggregate classification.

Literature cited by the submitters: PubMed 14574646 (cited by Labcorp Genetics (formerly Invitae), Labcorp); PubMed 19028728 (cited by Labcorp Genetics (formerly Invitae), Labcorp); PubMed 23611254 (cited by Labcorp Genetics (formerly Invitae), Labcorp); PubMed 20301772 (cited by GeneReviews); NCBI Bookshelf NBK9587 (cited by GeneReviews).

NM_018136.5(ASPM):c.1729_1730del (p.Ser577fs)

Gene: ASPM (assembly factor for spindle microtubules; minus strand). Cytogenetic location: 1q31.3.
Variant type: Microsatellite.
Coding change: c.1729_1730del on transcript NM_018136.5 (MANE Select); coding-DNA positions 1729 to 1730, 2 bases deleted (AG; older notation c.1729_1730delAG).
Protein change: p.Ser577fs; shifts the reading frame from serine 577.
Molecular consequence: frameshift variant.
Genome position (GRCh38, 1-based): chr1:197,142,522-197,142,523, CT deleted on the plus strand (AG on the coding strand, the reverse complement: ASPM is on the minus strand); deleting any 2 consecutive bases within chr1:197,142,522-197,142,525 gives the same sequence; the c. name uses the placement nearest the transcript's 3' end. VCF-style (leftmost placement, unchanged base first): chr1-197142521-GCT-G. GRCh37 (hg19) VCF-style: chr1-197111651-GCT-G.
Other names: c.1729_1730del, p.Ser577fs (NM_001206846.2); c.1729_1730delAG (NM_018136.4); short protein forms S577fs.
Identifiers: ClinVar variation 402179 (VCV000402179.14), dbSNP rs199422146, ClinGen allele CA342221.